The following is an entry in ClinVar:

ClinVar aggregate classification (germline): Uncertain significance (1 of 4 stars; one submission).

Submission:

Labcorp Genetics (formerly Invitae), Labcorp
Classification: Uncertain significance. Last evaluated: 2024-10-07. Review status: criteria provided, single submitter. Criteria: Invitae Variant Classification Sherloc (09022015). Collection method: clinical testing. Allele origin: germline.
Comment: This sequence change replaces threonine, which is neutral and polar, with isoleucine, which is neutral and non-polar, at codon 477 of the DGKZ protein (p.Thr477Ile). This variant is not present in population databases (gnomAD no frequency). This variant has not been reported in the literature in individuals affected with DGKZ-related conditions. An algorithm developed to predict the effect of missense changes on protein structure and function (PolyPhen-2) suggests that this variant is likely to be tolerated. In summary, the available evidence is currently insufficient to determine the role of this variant in disease. Therefore, it has been classified as a Variant of Uncertain Significance.

NM_001199267.2(DGKZ):c.863C>T (p.Thr288Ile)

Gene: DGKZ (diacylglycerol kinase zeta; plus strand). Cytogenetic location: 11p11.2.
Variant type: single nucleotide variant.
Coding change: c.863C>T on transcript NM_001199267.2 (MANE Select); coding-DNA position 863, C replaced by T.
Protein change: p.Thr288Ile; replaces threonine 288 with isoleucine.
Molecular consequence: missense variant.
Genome position (GRCh38, 1-based): chr11:46,372,109, C>T. VCF-style: chr11-46372109-C-T. GRCh37 (hg19) VCF-style: chr11-46393659-C-T.
Other names: c.1430C>T, p.Thr477Ile (NM_001105540.2); c.866C>T, p.Thr289Ile (NM_001199266.2, NM_003646.4); c.797C>T, p.Thr266Ile (NM_001199268.2); c.914C>T, p.Thr305Ile (NM_201532.3); c.878C>T, p.Thr293Ile (NM_201533.3); short protein forms T266I, T477I, T288I, T289I, T305I, T293I.
Identifiers: ClinVar variation 3654672 (VCV003654672.2).
Genomic context (GRCh38, chr11:46,372,109, plus strand): 5'-TTACAGCCTCTCACCTTGTCTCCCAGGAGGGCCGCTGGAGACCCTTCATCATCAGGCCCA[C>T]CCCCTCCCCGCTCATGAAGCCCCTGCTGGTGTTTGTGAACCCCAAGAGTGGGGGCAACCA-3'
Protein context (NP_001186196.1, residues 278-298): GRWRPFIIRP[Thr288Ile]PSPLMKPLLV